The following is an entry in ClinVar:

NM_000277.3(PAH):c.196G>T (p.Glu66Ter)

Gene: PAH (phenylalanine hydroxylase; minus strand). Cytogenetic location: 12q23.2.
Variant type: single nucleotide variant.
Coding change: c.196G>T on transcript NM_000277.3 (MANE Select); coding-DNA position 196, G replaced by T.
Protein change: p.Glu66Ter; replaces glutamic acid 66 with a stop codon.
Molecular consequence: nonsense.
Genome position (GRCh38, 1-based): chr12:102,894,891, C>A on the plus strand (G>T on the coding strand, the complement: PAH is on the minus strand). VCF-style: chr12-102894891-C-A. GRCh37 (hg19) VCF-style: chr12-103288669-C-A.
Other names: c.196G>T, p.Glu66Ter (NM_001354304.2); short protein forms E66*.
Identifiers: ClinVar variation 120270 (VCV000120270.3), dbSNP rs281865454, ClinGen allele CA267645.
Genomic context (GRCh38, chr12:102,894,891, plus strand): 5'-GTTTATCCAAATGGGTGAAAAATTCATACTCATCTTTCTTTAAACGAGAAGGTCTAGATT[C>A]AATGTGGGTCAGGTTTACATCATTCTCCTAGAAGAGAGAATGGGGAGGGTGAGGAGACAG-3'

ClinVar aggregate classification (germline): Pathogenic. Review status: reviewed by expert panel (3 of 4 stars). 2 submissions from 2 submitters: Pathogenic (1). 1 of the submissions does not count toward it. Last evaluated 2019-05-26.

Conditions:
Phenylketonuria (PKU). Also called: Phenylketonuria (PKU); FOLLING DISEASE; OLIGOPHRENIA PHENYLPYRUVICA; Phenylketonurias. Identifiers: Orphanet 716, MedGen C0031485, MONDO:0009861, OMIM 261600. Disease mechanism: loss of function.

Submissions (2):

ClinGen PAH Variant Curation Expert Panel
Classification: Pathogenic for Phenylketonuria. Last evaluated: 2019-05-26. Review status: reviewed by expert panel. Criteria: ClinGen PAH ACMG Specifications v1. Collection method: curation. Allele origin: germline. Inheritance: Autosomal recessive inheritance.
Comment: The c.196G>T (p.Glu66Ter) variant in PAH has been previously reported in one proband with classic PKU (PMID: 26666653) (PP4). The proband was heterozygous for the variant and also harbor the pathogenic allele (per ClinGen VCEP) c. 1315+1G>A; however, the phase of the variants was not confirmed via parental testing. (PM3_supporting). The sequence change results in a nonsense variant which occurs in exon 3 of 13 in the in the canonical transcript of PAH, a gene fulfilling the most recent criteria for LOF being a known disease mechanism (see PMID: 30192042) (PVS1). It is absent from control databases (PM2). In summary, this variant meets criteria to be classified as pathogenic for PAH. PAH-specific ACMG/AMP criteria applied: PVS1, PM2, PP4, PM3_supporting.

Inserm U 954, Faculté de Médecine de Nancy
Classification: Likely pathogenic for Phenylketonuria. Review status: no assertion criteria provided. Collection method: not provided. Allele origin: unknown. Not counted in ClinVar's aggregate classification.
ClinVar note: Converted during submission from probable-pathogenic to Likely pathogenic.

Literature cited by the submitters: PubMed 26666653 (cited by ClinGen PAH Variant Curation Expert Panel).